The following is an entry in ClinVar:

NC_000006.12:g.(?_80167668)_(80171400_?)del

Gene: BCKDHB (branched chain keto acid dehydrogenase E1 subunit beta; plus strand). Cytogenetic location: 6q14.1.
Variant type: Deletion.
Identifiers: ClinVar variation 832913 (VCV000832913.5).

ClinVar aggregate classification (germline): Pathogenic (1 of 4 stars; one submission).

Conditions:
Maple syrup urine disease (MSUD). Identifiers: Orphanet 511, MedGen C0024776, MeSH D008375, MONDO:0009563. Disease mechanism: loss of function.

Submission:

Labcorp Genetics (formerly Invitae), Labcorp
Classification: Pathogenic for Maple syrup urine disease. Last evaluated: 2022-08-23. Review status: criteria provided, single submitter. Criteria: Invitae Variant Classification Sherloc (09022015). Collection method: clinical testing. Allele origin: germline.
Comment: This variant is a gross deletion of the genomic region encompassing exon(s) 4-6 of the BCKDHB gene. This variant would be expected to be in-frame, preserving the integrity of the reading frame. A similar copy number variant has been observed in individual(s) with maple syrup urine disease (PMID: 31119508). This variant is also known as c. (343 + 1_344‚Äì1) _ (742 + 1_743‚Äì1)del. This variant disrupts the p.Arg168 amino acid residue in BCKDHB. Other variant(s) that disrupt this residue have been determined to be pathogenic (PMID: 16786533, 26232051, 28197878, 28417071, 29740775). This suggests that this residue is clinically significant, and that variants that disrupt this residue are likely to be disease-causing. For these reasons, this variant has been classified as Pathogenic.

Literature cited by the submitters: PubMed 31119508; PubMed 16786533; PubMed 26232051; PubMed 28197878; PubMed 28417071; PubMed 29740775.